The following is an entry in ClinVar:

ClinVar aggregate classification (germline): Conflicting classifications of pathogenicity. Review status: criteria provided, conflicting classifications (1 of 4 stars). 7 submissions from 7 submitters: Uncertain significance (2); Likely benign (5). Last evaluated 2026-06-18.

Conditions:
Hereditary cancer-predisposing syndrome. Also called: Hereditary neoplastic syndrome; Neoplastic Syndromes, Hereditary; Hereditary Cancer Syndrome; Tumor predisposition. Identifiers: Orphanet 140162, MedGen C0027672, MeSH D009386, MONDO:0015356.
Small cell lung carcinoma. Also called: Small cell lung cancer; SMALL CELL CANCER OF THE LUNG, SOMATIC; Lung oat cell carcinoma. Identifiers: Orphanet 70573, MedGen C0149925, MeSH D055752, MONDO:0008433, OMIM 182280, HP:0030357.
Malignant tumor of urinary bladder. Also called: Urinary Bladder Neoplasms; Bladder cancer; Urinary bladder cancer. Identifiers: MedGen C0005684, MONDO:0001187, OMIM 109800.
Retinoblastoma (RB1). Also called: RETINOBLASTOMA, SOMATIC. Identifiers: Orphanet 790, MedGen C0035335, MeSH D012175, MONDO:0008380, OMIM 180200, HP:0009919. Disease mechanism: loss of function. Inheritance: Both sporadic and heritable forms are tested..
Bone osteosarcoma. Also called: Osteosarcoma, somatic. Identifiers: Orphanet 668, MedGen C0585442, MONDO:0002629, OMIM 259500.

Allele frequency attached by ClinVar (database versions not stated): ExAC 0.00003; TOPMed 0.00001; gnomAD exomes 0.00002.
gnomAD v4.1: 25 of 1,612,728 alleles (0.0016%); highest among the groups gnomAD compares: Non-Finnish European, 0.002%; no homozygotes.

Submissions (7):

Myriad Genetics, Inc.
Classification: Likely benign for Retinoblastoma. Last evaluated: 2026-06-18. Review status: criteria provided, single submitter. Criteria: Myriad Autosomal Dominant, Autosomal Recessive and X-Linked Classification Criteria (2023). Collection method: clinical testing. Allele origin: unknown.
Comment: This variant is considered likely benign. This variant has been observed at a population frequency that is significantly greater than expected given the associated disease prevalence and penetrance.

Labcorp Genetics (formerly Invitae), Labcorp
Classification: Likely benign for Retinoblastoma. Last evaluated: 2026-01-31. Review status: criteria provided, single submitter. Criteria: Invitae Variant Classification Sherloc (09022015). Collection method: clinical testing. Allele origin: germline.

All of Us Research Program, National Institutes of Health
Classification: Likely benign for Retinoblastoma. Last evaluated: 2024-02-05. Review status: criteria provided, single submitter. Criteria: ACMG Guidelines, 2015. Collection method: clinical testing. Allele origin: germline. Inheritance: Autosomal dominant inheritance. Observed: 2 variant alleles, 2 heterozygotes.
Comment: This study involves interpretation of variants in research participants for the purpose of population health screening. Participant phenotype was not available at the time of variant classification. Additional details can be found in publication PMID: 35346344, PMCID: PMC8962531

Color Diagnostics, LLC DBA Color Health
Classification: Likely benign for Retinoblastoma. Last evaluated: 2023-05-11. Review status: criteria provided, single submitter. Criteria: ACMG Guidelines, 2015. Collection method: clinical testing. Allele origin: germline.

Ambry Genetics
Classification: Likely benign for Hereditary cancer-predisposing syndrome. Last evaluated: 2021-12-29. Review status: criteria provided, single submitter. Criteria: Ambry Variant Classification Scheme 2023. Collection method: clinical testing. Allele origin: germline.

Sema4
Classification: Uncertain significance for Hereditary cancer-predisposing syndrome. Last evaluated: 2021-11-26. Review status: criteria provided, single submitter. Criteria: Sema4 Curation Guidelines. Collection method: curation. Allele origin: germline.
Comment: The RB1 c.850A>G (p.N284D) variant has not been reported in the literature to our knowledge. It was observed in 5/113396 chromosomes of the Non-Finnish European subpopulation in the large and broad cohorts of the Genome Aggregation Database (PMID: 32461654). The variant has been reported in ClinVar (Variation ID: 458185). Functional studies have not been performed, and in silico predictions of the variant's effect on protein function are inconclusive. The evidence is insufficient to meet ACMG/AMP criteria for classifying the variant as benign or pathogenic. Thus, the clinical significance of this variant is currently uncertain.

Fulgent Genetics
Classification: Uncertain significance for Malignant tumor of urinary bladder; Retinoblastoma; Small cell lung carcinoma; Bone osteosarcoma. Last evaluated: 2018-10-31. Review status: criteria provided, single submitter. Criteria: ACMG Guidelines, 2015. Collection method: clinical testing. Allele origin: unknown.

NM_000321.3(RB1):c.850A>G (p.Asn284Asp)

Gene: RB1 (RB transcriptional corepressor 1; plus strand). Cytogenetic location: 13q14.2.
Variant type: single nucleotide variant.
Coding change: c.850A>G on transcript NM_000321.3 (MANE Select); coding-DNA position 850, A replaced by G.
Protein change: p.Asn284Asp; replaces asparagine 284 with aspartic acid.
Molecular consequence: missense variant.
Genome position (GRCh38, 1-based): chr13:48,362,946, A>G. VCF-style: chr13-48362946-A-G. GRCh37 (hg19) VCF-style: chr13-48937082-A-G.
Other names: short protein forms N284D.
Identifiers: ClinVar variation 458185 (VCV000458185.20), dbSNP rs761609284, ClinGen allele CA039582.